The following is an entry in ClinVar:

NM_006486.3(FBLN1):c.1727G>A (p.Arg576His)

Gene: FBLN1 (fibulin 1; plus strand). Cytogenetic location: 22q13.31.
Variant type: single nucleotide variant.
Coding change: c.1727G>A on transcript NM_006486.3 (MANE Select); coding-DNA position 1727, G replaced by A.
Protein change: p.Arg576His; replaces arginine 576 with histidine.
Molecular consequence: missense variant.
Genome position (GRCh38, 1-based): chr22:45,574,540, G>A. VCF-style: chr22-45574540-G-A. GRCh37 (hg19) VCF-style: chr22-45970420-G-A.
Other names: short protein forms R576H.
Identifiers: ClinVar variation 3615355 (VCV003615355.2).

ClinVar aggregate classification (germline): Uncertain significance (1 of 4 stars; one submission).

gnomAD v4.1: 91 of 1,614,006 alleles (0.0056%); highest among the groups gnomAD compares: Middle Eastern, 0.016%; no homozygotes.

Submission:

Labcorp Genetics (formerly Invitae), Labcorp
Classification: Uncertain significance. Last evaluated: 2024-10-07. Review status: criteria provided, single submitter. Criteria: Invitae Variant Classification Sherloc (09022015). Collection method: clinical testing. Allele origin: germline.
Comment: This sequence change replaces arginine, which is basic and polar, with histidine, which is basic and polar, at codon 576 of the FBLN1 protein (p.Arg576His). This variant is present in population databases (rs139132072, gnomAD 0.006%). This variant has not been reported in the literature in individuals affected with FBLN1-related conditions. An algorithm developed to predict the effect of missense changes on protein structure and function (PolyPhen-2) suggests that this variant is likely to be tolerated. In summary, the available evidence is currently insufficient to determine the role of this variant in disease. Therefore, it has been classified as a Variant of Uncertain Significance.